The following is an entry in ClinVar:

ClinVar aggregate classification (germline): Benign. Review status: criteria provided, multiple submitters, no conflicts (2 of 4 stars). 4 submissions from 4 submitters: Benign (4). Last evaluated 2026-02-02.

Conditions:
Methylmalonic acidemia due to transcobalamin receptor defect (MATR). Also called: METHYLMALONIC ACIDEMIA, TCblR TYPE; METHYLMALONIC ACIDURIA, TRANSIENT, DUE TO TRANSCOBALAMIN RECEPTOR DEFECT. Identifiers: Orphanet 280183, MedGen C4749905, MONDO:0013341, OMIM 613646.

Allele frequency attached by ClinVar (database versions not stated): 1000 Genomes Project 30x 0.13429; gnomAD 0.11348; TOPMed 0.12400; ESP Exome Variant Server 0.13125; 1000 Genomes Project 0.13219.
gnomAD v4.1: 81,272 of 1,614,016 alleles (5%); highest among the groups gnomAD compares: African/African-American, 31%; 4,830 homozygotes.

Submissions (4):

Labcorp Genetics (formerly Invitae), Labcorp
Classification: Benign for Methylmalonic acidemia due to transcobalamin receptor defect. Last evaluated: 2026-02-02. Review status: criteria provided, single submitter. Criteria: Invitae Variant Classification Sherloc (09022015). Collection method: clinical testing. Allele origin: germline.

Mayo Clinic Laboratories, Mayo Clinic
Classification: Benign. Last evaluated: 2022-07-22. Review status: criteria provided, single submitter. Criteria: ACMG Guidelines, 2015. Collection method: clinical testing. Allele origin: germline. Observed: 11 variant alleles.

GeneDx
Classification: Benign. Last evaluated: 2013-11-26. Review status: criteria provided, single submitter. Criteria: GeneDx Variant Classification (06012015). Collection method: clinical testing. Allele origin: germline. Affected: yes.
Comment: This variant is considered likely benign or benign based on one or more of the following criteria: it is a conservative change, it occurs at a poorly conserved position in the protein, it is predicted to be benign by multiple in silico algorithms, and/or has population frequency not consistent with disease.

Breakthrough Genomics
Classification: Benign. Review status: criteria provided, single submitter. Criteria: ACMG Guidelines, 2015. Collection method: not provided. Allele origin: germline. Inheritance: Autosomal recessive inheritance. Affected: yes.

NM_016579.4(CD320):c.837C>G (p.Thr279=)

Gene: CD320 (CD320 molecule; minus strand). Cytogenetic location: 19p13.2.
Variant type: single nucleotide variant.
Coding change: c.837C>G on transcript NM_016579.4 (MANE Select); coding-DNA position 837, C replaced by G.
Protein change: p.Thr279=; no amino-acid change (threonine 279 retained).
Molecular consequence: synonymous variant.
Genome position (GRCh38, 1-based): chr19:8,302,475, G>C on the plus strand (C>G on the coding strand, the complement: CD320 is on the minus strand). VCF-style: chr19-8302475-G-C. GRCh37 (hg19) VCF-style: chr19-8367359-G-C.
Other names: p.T279T:ACC>ACG; p.Thr279=; c.711C>G, p.Thr237= (NM_001165895.2).
Identifiers: ClinVar variation 136686 (VCV000136686.12), dbSNP rs2227289, ClinGen allele CA289992.
Genomic context (GRCh38, chr19:8,302,475, plus strand): 5'-GTCCGGCTACGCCCAGGGCTGAGTGACGGTGGTGGCAAGTGCTTGTCCTCAGGGCAGCGA[G>C]GTCTTCTGTTCTGACAGCAGCAGGGACTCCTTCATGGCCACCAGTAACCCCAGTGGGCGG-3'
Protein context (NP_057663.1, residues 269-282): KESLLLSEQK[Thr279=]SLP